The following is an entry in ClinVar:

ClinVar aggregate classification (germline): Uncertain significance (1 of 4 stars; one submission).

Conditions:
Hypertrophic cardiomyopathy. Also called: HYPERTROPHIC MYOCARDIOPATHY. Identifiers: Orphanet 217569, MedGen C0007194, MeSH D002312, MONDO:0005045, HP:0001639.

gnomAD v4.1: 2 of 1,608,764 alleles (0.00012%); highest among the groups gnomAD compares: Non-Finnish European, 0.00017%; no homozygotes.

Submission:

Labcorp Genetics (formerly Invitae), Labcorp
Classification: Uncertain significance for Hypertrophic cardiomyopathy. Last evaluated: 2025-06-11. Review status: criteria provided, single submitter. Criteria: Invitae Variant Classification Sherloc (09022015). Collection method: clinical testing. Allele origin: germline.
Comment: This sequence change creates a premature translational stop signal (p.Trp1034*) in the MYOM1 gene. It is expected to result in an absent or disrupted protein product. However, the current clinical and genetic evidence is not sufficient to establish whether loss-of-function variants in MYOM1 cause disease. This variant is not present in population databases (gnomAD no frequency). This variant has not been reported in the literature in individuals affected with MYOM1-related conditions. In summary, the available evidence is currently insufficient to determine the role of this variant in disease. Therefore, it has been classified as a Variant of Uncertain Significance.

NM_003803.4(MYOM1):c.3101G>A (p.Trp1034Ter)

Gene: MYOM1 (myomesin 1; minus strand). Cytogenetic location: 18p11.31.
Variant type: single nucleotide variant.
Coding change: c.3101G>A on transcript NM_003803.4 (MANE Select); coding-DNA position 3101, G replaced by A.
Protein change: p.Trp1034Ter; replaces tryptophan 1034 with a stop codon.
Molecular consequence: nonsense.
Genome position (GRCh38, 1-based): chr18:3,119,886, C>T on the plus strand (G>A on the coding strand, the complement: MYOM1 is on the minus strand). VCF-style: chr18-3119886-C-T. GRCh37 (hg19) VCF-style: chr18-3119884-C-T.
Other names: c.2813G>A, p.Trp938Ter (NM_019856.2); short protein forms W938*, W1034*.
Identifiers: ClinVar variation 4748101 (VCV004748101.1).